The following is an entry in ClinVar:

ClinVar aggregate classification (germline): Pathogenic (1 of 4 stars; one submission).

Conditions:
Familial cancer of breast. Also called: hereditary breast carcinoma; BREAST CANCER, FAMILIAL; Hereditary breast cancer. Identifiers: Orphanet 227535, MedGen C0346153, MONDO:0016419, OMIM 114480. Disease mechanism: loss of function.

Submission:

Department of Clinical Genetics, Copenhagen University Hospital, Rigshospitalet
Classification: Pathogenic for Familial cancer of breast. Last evaluated: 2025-09-24. Review status: criteria provided, single submitter. Criteria: ACMG Guidelines, 2015. Collection method: clinical testing. Allele origin: germline.
Comment: The following ACMG criteria has been used: PM2_SUP; PVS1; PM5_Strong (PTC)

NM_007294.4(BRCA1):c.3101_3102del (p.Asn1034fs)

Gene: BRCA1 (BRCA1 DNA repair associated; minus strand). Cytogenetic location: 17q21.31.
Variant type: Deletion.
Coding change: c.3101_3102del on transcript NM_007294.4 (MANE Select); coding-DNA positions 3101 to 3102, 2 bases deleted (AT; older notation c.3101_3102delAT).
Protein change: p.Asn1034fs; shifts the reading frame from asparagine 1034.
Molecular consequence: frameshift variant. On other transcripts: intron variant (137).
Genome position (GRCh38, 1-based): chr17:43,092,429-43,092,430, AT deleted on the plus strand (AT on the coding strand, the reverse complement: BRCA1 is on the minus strand). VCF-style (leftmost placement, unchanged base first): chr17-43092428-CAT-C. GRCh37 (hg19) VCF-style: chr17-41244445-CAT-C.
Other names: c.2957_2958del, p.Asn986fs (NM_001407843.1, NM_001407844.1, NM_001407845.1 and 20 more transcripts); c.2960_2961del, p.Asn987fs (NM_001407850.1, NM_001407851.1, NM_001407852.1 and 29 more transcripts); c.2888_2889del, p.Asn963fs (NM_001407853.1, NM_001407894.1, NM_001407895.1 and 9 more transcripts); c.3101_3102del, p.Asn1034fs (NM_001407854.1, NM_001407858.1, NM_001407859.1 and 30 more transcripts); c.3098_3099del, p.Asn1033fs (NM_001407860.1, NM_001407861.1, NM_001407587.1 and 22 more transcripts); c.2900_2901del, p.Asn967fs (NM_001407862.1); c.2978_2979del, p.Asn993fs (NM_001407863.1, NM_001407919.1, NM_001407937.1 and 19 more transcripts); c.2897_2898del, p.Asn966fs (NM_001407874.1, NM_001407875.1); and 41 more; short protein forms N1007fs, N1008fs, N1031fs, N1033fs, N1034fs, N738fs, N866fs, N906fs.
Identifiers: ClinVar variation 4531169 (VCV004531169.1).
Genomic context (GRCh38, chr17:43,092,428, plus strand): 5'-CCACTTCATTAGTACTGGAACCTACTTCATTAATATTGCTTGAGCTGGCTTCTTTAAAAA[CAT>C]TTTCTCTAATGTTATTACGGCTAATTGTGCTCACTGTACTTGGAATGTTCTCATTTCCCA-3'